The following is an entry in ClinVar:

NM_001136193.2(FASTKD2):c.1691A>G (p.Gln564Arg)

Gene: FASTKD2 (FAST kinase domains 2; plus strand). Cytogenetic location: 2q33.3.
Variant type: single nucleotide variant.
Coding change: c.1691A>G on transcript NM_001136193.2 (MANE Select); coding-DNA position 1691, A replaced by G.
Protein change: p.Gln564Arg; replaces glutamine 564 with arginine.
Molecular consequence: missense variant.
Genome position (GRCh38, 1-based): chr2:206,788,033, A>G. VCF-style: chr2-206788033-A-G. GRCh37 (hg19) VCF-style: chr2-207652757-A-G.
Other names: c.1691A>G, p.Gln564Arg (NM_001136194.2, NM_014929.4); c.1691A>G (NM_014929.3); short protein forms Q564R.
Identifiers: ClinVar variation 2136212 (VCV002136212.6), dbSNP rs2468839689, ClinGen allele CA350082583.
Genomic context (GRCh38, chr2:206,788,033, plus strand): 5'-ATACTTGTCTAAAACTTGATGATACTGTCTATCTGAGGGACATAGCCTTGTCACTCCCAC[A>G]GCTGCCGCGGGAGCTGCCATCGTCACATACAAATGCAAAGGTGGCAGAGGTGCTGAGCAG-3'
Protein context (NP_001129665.1, residues 554-574): YLRDIALSLP[Gln564Arg]LPRELPSSHT

ClinVar aggregate classification (germline): Uncertain significance. Review status: criteria provided, multiple submitters, no conflicts (2 of 4 stars). 2 submissions from 2 submitters: Uncertain significance (2). Last evaluated 2022-07-18.

Allele frequency attached by ClinVar (database versions not stated): gnomAD exomes 0.00001.
gnomAD v4.1: 12 of 1,613,578 alleles (0.00074%); highest among the groups gnomAD compares: Non-Finnish European, 0.001%; no homozygotes.

Submissions (2):

GeneDx
Classification: Uncertain significance. Last evaluated: 2022-07-18. Review status: criteria provided, single submitter. Criteria: GeneDx Variant Classification Process June 2021. Collection method: clinical testing. Allele origin: germline. Affected: yes.
Comment: Not observed at significant frequency in large population cohorts (gnomAD); In silico analysis supports that this missense variant does not alter protein structure/function; Has not been previously published as pathogenic or benign to our knowledge

Labcorp Genetics (formerly Invitae), Labcorp
Classification: Uncertain significance. Last evaluated: 2022-07-05. Review status: criteria provided, single submitter. Criteria: Invitae Variant Classification Sherloc (09022015). Collection method: clinical testing. Allele origin: germline.
Comment: This variant is not present in population databases (gnomAD no frequency). This sequence change replaces glutamine, which is neutral and polar, with arginine, which is basic and polar, at codon 564 of the FASTKD2 protein (p.Gln564Arg). This variant has not been reported in the literature in individuals affected with FASTKD2-related conditions. In summary, the available evidence is currently insufficient to determine the role of this variant in disease. Therefore, it has been classified as a Variant of Uncertain Significance. Algorithms developed to predict the effect of missense changes on protein structure and function output the following: SIFT: "Tolerated"; PolyPhen-2: "Benign"; Align-GVGD: "Class C0". The arginine amino acid residue is found in multiple mammalian species, which suggests that this missense change does not adversely affect protein function.